The following is an entry in ClinVar:

NM_017780.4(CHD7):c.8284C>G (p.Gln2762Glu)

Gene: CHD7 (chromodomain helicase DNA binding protein 7; plus strand). Cytogenetic location: 8q12.2.
Variant type: single nucleotide variant.
Coding change: c.8284C>G on transcript NM_017780.4 (MANE Select); coding-DNA position 8284, C replaced by G.
Protein change: p.Gln2762Glu; replaces glutamine 2762 with glutamic acid.
Molecular consequence: missense variant.
Genome position (GRCh38, 1-based): chr8:60,865,223, C>G. VCF-style: chr8-60865223-C-G. GRCh37 (hg19) VCF-style: chr8-61777782-C-G.
Other names: c.8284C>G (NM_017780.3); c.2137C>G, p.Gln713Glu (NM_001316690.1); short protein forms Q2762E, Q713E.
Identifiers: ClinVar variation 1310410 (VCV001310410.8), dbSNP rs1286287151, ClinGen allele CA371308088.

ClinVar aggregate classification (germline): Conflicting classifications of pathogenicity. Review status: criteria provided, conflicting classifications (1 of 4 stars). 4 submissions from 4 submitters: Uncertain significance (3); Likely benign (1). Last evaluated 2026-07-02.

Conditions:
CHD7-related disorder. Also called: CHD7-related condition.
Inborn genetic diseases. Identifiers: MedGen C0950123, MeSH D030342.
CHARGE syndrome (CHARGE). Also called: Hittner Hirsch Kreh syndrome; CHARGE ASSOCIATION--COLOBOMA, HEART ANOMALY, CHOANAL ATRESIA, RETARDATION, GENITAL AND EAR ANOMALIES; Coloboma, heart anomaly, choanal atresia, retardation, genital and ear anomalies; CHARGE association; Hall-Hittner syndrome. Identifiers: Orphanet 138, MedGen C0265354, MONDO:0008965.

Allele frequency attached by ClinVar (database versions not stated): gnomAD exomes below 0.00001 and 0.00005.
gnomAD v4.1: 74 of 1,609,496 alleles (0.0046%); highest among the groups gnomAD compares: Non-Finnish European, 0.0063%; no homozygotes.

Submissions (4):

PreventionGenetics, part of Exact Sciences
Classification: Uncertain significance for CHD7-related condition. Last evaluated: 2026-07-02. Review status: criteria provided, single submitter. Criteria: ACMG Guidelines, 2015. Collection method: clinical testing. Allele origin: germline.
Comment: The CHD7 c.8284C>G variant is predicted to result in the amino acid substitution p.Gln2762Glu. To our knowledge, this variant has not been reported in the literature. This variant is reported in 0.00092% of alleles in individuals of European (Non-Finnish) descent in gnomAD. At this time, the clinical significance of this variant is uncertain due to the absence of conclusive functional and genetic evidence.

Ambry Genetics
Classification: Uncertain significance for Inborn genetic diseases. Last evaluated: 2025-07-03. Review status: criteria provided, single submitter. Criteria: Ambry Variant Classification Scheme 2023. Collection method: clinical testing. Allele origin: germline.

Labcorp Genetics (formerly Invitae), Labcorp
Classification: Likely benign for CHARGE syndrome. Last evaluated: 2023-02-16. Review status: criteria provided, single submitter. Criteria: Invitae Variant Classification Sherloc (09022015). Collection method: clinical testing. Allele origin: germline.

GeneDx
Classification: Uncertain significance. Last evaluated: 2019-12-03. Review status: criteria provided, single submitter. Criteria: GeneDx Variant Classification Process June 2021. Collection method: clinical testing. Allele origin: germline. Affected: yes.
Comment: Not observed at a significant frequency in large population cohorts (Lek et al., 2016); In silico analysis, which includes protein predictors and evolutionary conservation, supports that this variant does not alter protein structure/function; Has not been previously published as pathogenic or benign to our knowledge